The following is an entry in ClinVar:

NM_001018005.2(TPM1):c.52G>A (p.Ala18Thr)

Gene: TPM1 (tropomyosin 1; plus strand). Cytogenetic location: 15q22.2.
Variant type: single nucleotide variant.
Coding change: c.52G>A on transcript NM_001018005.2 (MANE Select); coding-DNA position 52, G replaced by A.
Protein change: p.Ala18Thr; replaces alanine 18 with threonine.
Molecular consequence: missense variant. On other transcripts: non-coding transcript variant (11).
Genome position (GRCh38, 1-based): chr15:63,042,881, G>A. VCF-style: chr15-63042881-G-A. GRCh37 (hg19) VCF-style: chr15-63335080-G-A.
Other names: c.52G>A (NM_001018005.1); c.52G>A, p.Ala18Thr (NM_000366.6, NM_001018004.2, NM_001018006.2 and 24 more transcripts); short protein forms A18T.
Identifiers: ClinVar variation 2850868 (VCV002850868.5), dbSNP rs2542412260, ClinGen allele CA392718030.

ClinVar aggregate classification (germline): Conflicting classifications of pathogenicity. Review status: criteria provided, conflicting classifications (1 of 4 stars). 3 submissions from 3 submitters: Likely pathogenic (1); Uncertain significance (2). Last evaluated 2024-11-20.

Conditions:
Hypertrophic cardiomyopathy. Also called: HYPERTROPHIC MYOCARDIOPATHY. Identifiers: Orphanet 217569, MedGen C0007194, MeSH D002312, MONDO:0005045, HP:0001639.

Submissions (3):

GeneDx
Classification: Uncertain significance. Last evaluated: 2024-11-20. Review status: criteria provided, single submitter. Criteria: GeneDx Variant Classification Process June 2021. Collection method: clinical testing. Allele origin: germline. Affected: yes.
Comment: Not observed at significant frequency in large population cohorts (gnomAD); In silico analysis supports that this missense variant has a deleterious effect on protein structure/function; Has not been previously published as pathogenic or benign to our knowledge

Labcorp Genetics (formerly Invitae), Labcorp
Classification: Likely pathogenic for Hypertrophic cardiomyopathy. Last evaluated: 2023-08-03. Review status: criteria provided, single submitter. Criteria: Invitae Variant Classification Sherloc (09022015). Collection method: clinical testing. Allele origin: germline.
Comment: In summary, the currently available evidence indicates that the variant is pathogenic, but additional data are needed to prove that conclusively. Therefore, this variant has been classified as Likely Pathogenic. An algorithm developed to predict the effect of missense changes on protein structure and function (PolyPhen-2) suggests that this variant is likely to be disruptive. This missense change has been observed in individual(s) with dilated cardiomyopathy (Invitae). In at least one individual the variant was observed to be de novo. This variant is not present in population databases (gnomAD no frequency). This sequence change replaces alanine, which is neutral and non-polar, with threonine, which is neutral and polar, at codon 18 of the TPM1 protein (p.Ala18Thr).

Blueprint Genetics
Classification: Uncertain significance. Last evaluated: 2021-03-10. Review status: criteria provided, single submitter. Criteria: ACMG Guidelines, 2015. Collection method: clinical testing. Allele origin: germline.